The following is an entry in ClinVar:

NM_022336.4(EDAR):c.1271T>G (p.Val424Gly)

Genes: EDAR (ectodysplasin A receptor; minus strand), RANBP2 (RAN binding protein 2; plus strand). Cytogenetic location: 2q13.
Variant type: single nucleotide variant.
Coding change: c.1271T>G on transcript NM_022336.4 (MANE Select); coding-DNA position 1271, T replaced by G.
Protein change: p.Val424Gly; replaces valine 424 with glycine.
Molecular consequence: missense variant.
Genome position (GRCh38, 1-based): chr2:108,896,983, A>C on the plus strand (T>G on the coding strand, the complement: EDAR is on the minus strand). VCF-style: chr2-108896983-A-C. GRCh37 (hg19) VCF-style: chr2-109513439-A-C.
Other names: short protein forms V424G.
Identifiers: ClinVar variation 3381212 (VCV003381212.2).

ClinVar aggregate classification (germline): Likely pathogenic (1 of 4 stars; one submission).

Conditions:
Ectodermal dysplasia 10A, hypohidrotic/hair/nail type, autosomal dominant (ECTD10A). Also called: Ectodermal Dysplasia 3, Anhidrotic. Identifiers: Orphanet 1810, Orphanet 238468, MedGen C3888065, MONDO:0007509, OMIM 129490.

Submission:

Center of Excellence in Precision Medicine and Digital Health (CEPMDH), Faculty of Dentistry, Chulalongkorn University
Classification: Likely pathogenic for Ectodermal dysplasia 10A, hypohidrotic/hair/nail type, autosomal dominant. Review status: criteria provided, single submitter. Criteria: ACMG Guidelines, 2015. Collection method: clinical testing. Allele origin: germline. Inheritance: Autosomal dominant inheritance. Affected: yes. Observed: 1 variant allele, 1 heterozygote.
Comment: This variant was absent from population databases, including gnomAD, TOPMed, GenomeAsia, and our in-house database of Thai exomes. The same amino acid change variant p.Val424Met was previously reported in non-syndromic tooth agenesis patients (Yamaguchi et al. 2017, PMID: 28265457). This variant was classified as likely pathogenic based on the ACMG Guidelines for variant interpretation and classification.